The following is an entry in ClinVar:

NM_001378609.3(OTOGL):c.5826T>A (p.Cys1942Ter)

Gene: OTOGL (otogelin like; plus strand). Cytogenetic location: 12q21.31.
Variant type: single nucleotide variant.
Coding change: c.5826T>A on transcript NM_001378609.3 (MANE Select); coding-DNA position 5826, T replaced by A.
Protein change: p.Cys1942Ter; replaces cysteine 1942 with a stop codon.
Molecular consequence: nonsense.
Genome position (GRCh38, 1-based): chr12:80,356,435, T>A. VCF-style: chr12-80356435-T-A. GRCh37 (hg19) VCF-style: chr12-80750215-T-A.
Other names: c.5691T>A, p.Cys1897Ter (NM_001368062.3); c.5826T>A, p.Cys1942Ter (NM_001378610.3, NM_173591.7); short protein forms C1942*, C1897*.
Identifiers: ClinVar variation 2744059 (VCV002744059.3), dbSNP rs2541403255, ClinGen allele CA385887631.

ClinVar aggregate classification (germline): Pathogenic (1 of 4 stars; one submission).

Submission:

Labcorp Genetics (formerly Invitae), Labcorp
Classification: Pathogenic. Last evaluated: 2023-12-18. Review status: criteria provided, single submitter. Criteria: Invitae Variant Classification Sherloc (09022015). Collection method: clinical testing. Allele origin: germline.
Comment: This sequence change creates a premature translational stop signal (p.Cys1933*) in the OTOGL gene. It is expected to result in an absent or disrupted protein product. Loss-of-function variants in OTOGL are known to be pathogenic (PMID: 23122586). This variant is not present in population databases (gnomAD no frequency). This variant has not been reported in the literature in individuals affected with OTOGL-related conditions. For these reasons, this variant has been classified as Pathogenic.

Literature cited by the submitters: PubMed 23122586.